The following is an entry in ClinVar:

ClinVar aggregate classification (germline): Uncertain significance (1 of 4 stars; one submission).

Submission:

Labcorp Genetics (formerly Invitae), Labcorp
Classification: Uncertain significance. Last evaluated: 2023-05-30. Review status: criteria provided, single submitter. Criteria: Invitae Variant Classification Sherloc (09022015). Collection method: clinical testing. Allele origin: germline.
Comment: This sequence change replaces glutamic acid, which is acidic and polar, with glutamine, which is neutral and polar, at codon 331 of the PLEKHM2 protein (p.Glu331Gln). This variant is not present in population databases (gnomAD no frequency). This variant has not been reported in the literature in individuals affected with PLEKHM2-related conditions. An algorithm developed to predict the effect of missense changes on protein structure and function (PolyPhen-2) suggests that this variant is likely to be disruptive. In summary, the available evidence is currently insufficient to determine the role of this variant in disease. Therefore, it has been classified as a Variant of Uncertain Significance.

NM_015164.4(PLEKHM2):c.991G>C (p.Glu331Gln)

Gene: PLEKHM2 (pleckstrin homology and RUN domain containing M2; plus strand). Cytogenetic location: 1p36.21.
Variant type: single nucleotide variant.
Coding change: c.991G>C on transcript NM_015164.4 (MANE Select); coding-DNA position 991, G replaced by C.
Protein change: p.Glu331Gln; replaces glutamic acid 331 with glutamine.
Molecular consequence: missense variant.
Genome position (GRCh38, 1-based): chr1:15,727,063, G>C. VCF-style: chr1-15727063-G-C. GRCh37 (hg19) VCF-style: chr1-16053558-G-C.
Other names: c.931G>C, p.Glu311Gln (NM_001410755.1); short protein forms E331Q, E311Q.
Identifiers: ClinVar variation 2861088 (VCV002861088.3), dbSNP rs2522440360, ClinGen allele CA338584604.